The following is an entry in ClinVar:

NM_014727.3(KMT2B):c.2456C>G (p.Pro819Arg)

Gene: KMT2B (lysine methyltransferase 2B; plus strand). Cytogenetic location: 19q13.12.
Variant type: single nucleotide variant.
Coding change: c.2456C>G on transcript NM_014727.3 (MANE Select); coding-DNA position 2456, C replaced by G.
Protein change: p.Pro819Arg; replaces proline 819 with arginine.
Molecular consequence: missense variant.
Genome position (GRCh38, 1-based): chr19:35,721,803, C>G. VCF-style: chr19-35721803-C-G. GRCh37 (hg19) VCF-style: chr19-36212705-C-G.
Other names: short protein forms P819R.
Identifiers: ClinVar variation 3620806 (VCV003620806.3).

ClinVar aggregate classification (germline): Conflicting classifications of pathogenicity. Review status: criteria provided, conflicting classifications (1 of 4 stars). 2 submissions from 2 submitters: Uncertain significance (1); Likely benign (1). Last evaluated 2026-02-09.

Conditions:
Dystonia 28, childhood-onset (DYT28). Also called: KMT2B-Related Dystonia (DYT-KMT2B). Identifiers: Orphanet 589618, MedGen C4310633, MONDO:0015004, OMIM 617284.

gnomAD v4.1: 2 of 1,580,438 alleles (0.00013%); highest among the groups gnomAD compares: South Asian, 0.0023%; no homozygotes.

Submissions (2):

Centre for Medical Genetics,  Mumbai
Classification: Likely benign for Dystonia 28, childhood-onset. Last evaluated: 2026-02-09. Review status: criteria provided, single submitter. Criteria: ACMG Guidelines, 2015. Collection method: provider interpretation. Allele origin: germline. Inheritance: Autosomal dominant inheritance. Affected: no. Observed: 1 homozygote.
Comment: The variant satisfies PM2 criteria; Extremely low frequency in gnomAD population databases. The variant satisfies PP3 criteria; For a missense or a splicing region variant, computational prediction tools unanimously support a deleterious effect on the gene. The variant satisfies PP2 criteria; Missense variant in a gene with low rate of benign missense mutations and for which missense mutation is a common mechanism of a disease. However, the variant satisfies BS2 criteria.

Labcorp Genetics (formerly Invitae), Labcorp
Classification: Uncertain significance. Last evaluated: 2024-08-21. Review status: criteria provided, single submitter. Criteria: Invitae Variant Classification Sherloc (09022015). Collection method: clinical testing. Allele origin: germline.
Comment: This sequence change replaces proline, which is neutral and non-polar, with arginine, which is basic and polar, at codon 819 of the KMT2B protein (p.Pro819Arg). This variant is not present in population databases (gnomAD no frequency). This variant has not been reported in the literature in individuals affected with KMT2B-related conditions. Experimental studies and prediction algorithms are not available or were not evaluated, and the functional significance of this variant is currently unknown. In summary, the available evidence is currently insufficient to determine the role of this variant in disease. Therefore, it has been classified as a Variant of Uncertain Significance.

Literature cited by the submitters: PubMed 27839873 (cited by Centre for Medical Genetics,  Mumbai).